The following is an entry in ClinVar:

NM_030665.4(RAI1):c.4829T>C (p.Ile1610Thr)

Gene: RAI1 (retinoic acid induced 1; plus strand). Cytogenetic location: 17p11.2.
Variant type: single nucleotide variant.
Coding change: c.4829T>C on transcript NM_030665.4 (MANE Select); coding-DNA position 4829, T replaced by C.
Protein change: p.Ile1610Thr; replaces isoleucine 1610 with threonine.
Molecular consequence: missense variant.
Genome position (GRCh38, 1-based): chr17:17,797,777, T>C. VCF-style: chr17-17797777-T-C. GRCh37 (hg19) VCF-style: chr17-17701091-T-C.
Other names: c.4829T>C (NM_030665.3); short protein forms I1610T.
Identifiers: ClinVar variation 1932400 (VCV001932400.7), dbSNP rs1047795500, ClinGen allele CA288371503.

ClinVar aggregate classification (germline): Uncertain significance. Review status: criteria provided, multiple submitters, no conflicts (2 of 4 stars). 2 submissions from 2 submitters: Uncertain significance (2). Last evaluated 2025-03-15.

Conditions:
Inborn genetic diseases. Identifiers: MedGen C0950123, MeSH D030342.

Allele frequency attached by ClinVar (database versions not stated): gnomAD exomes below 0.00001; TOPMed below 0.00001; gnomAD 0.00001.
gnomAD v4.1: 7 of 1,613,964 alleles (0.00043%); highest among the groups gnomAD compares: East Asian, 0.0022%; no homozygotes.

Submissions (2):

Labcorp Genetics (formerly Invitae), Labcorp
Classification: Uncertain significance. Last evaluated: 2025-03-15. Review status: criteria provided, single submitter. Criteria: Invitae Variant Classification Sherloc (09022015). Collection method: clinical testing. Allele origin: germline.
Comment: This sequence change replaces isoleucine, which is neutral and non-polar, with threonine, which is neutral and polar, at codon 1610 of the RAI1 protein (p.Ile1610Thr). This variant is not present in population databases (gnomAD no frequency). This variant has not been reported in the literature in individuals affected with RAI1-related conditions. ClinVar contains an entry for this variant (Variation ID: 1932400). Invitae Evidence Modeling of protein sequence and biophysical properties (such as structural, functional, and spatial information, amino acid conservation, physicochemical variation, residue mobility, and thermodynamic stability) indicates that this missense variant is not expected to disrupt RAI1 protein function with a negative predictive value of 80%. In summary, the available evidence is currently insufficient to determine the role of this variant in disease. Therefore, it has been classified as a Variant of Uncertain Significance.

Ambry Genetics
Classification: Uncertain significance for Inborn genetic diseases. Last evaluated: 2023-05-17. Review status: criteria provided, single submitter. Criteria: Ambry Variant Classification Scheme 2023. Collection method: clinical testing. Allele origin: germline.